The following is an entry in ClinVar:

NM_020706.2(SCAF4):c.183G>A (p.Pro61=)

Gene: SCAF4 (SR-related CTD associated factor 4; minus strand). Cytogenetic location: 21q22.11.
Variant type: single nucleotide variant.
Coding change: c.183G>A on transcript NM_020706.2 (MANE Select); coding-DNA position 183, G replaced by A.
Protein change: p.Pro61=; no amino-acid change (proline 61 retained).
Molecular consequence: synonymous variant.
Genome position (GRCh38, 1-based): chr21:31,703,903, C>T on the plus strand (G>A on the coding strand, the complement: SCAF4 is on the minus strand). VCF-style: chr21-31703903-C-T. GRCh37 (hg19) VCF-style: chr21-33076216-C-T.
Other names: c.138G>A, p.Pro46= (NM_001145444.1); c.183G>A, p.Pro61= (NM_001145445.1).
Identifiers: ClinVar variation 5039069 (VCV005039069.1).

ClinVar aggregate classification (germline): Likely benign (1 of 4 stars; one submission).

gnomAD v4.1: 27 of 1,580,500 alleles (0.0017%); highest among the groups gnomAD compares: East Asian, 0.009%; no homozygotes.

Submission:

CeGaT Center for Human Genetics Tuebingen
Classification: Likely benign. Last evaluated: 2026-07-01. Review status: criteria provided, single submitter. Criteria: CeGaT Center For Human Genetics Tuebingen Variant Classification Criteria Version 2. Collection method: clinical testing. Allele origin: germline. Affected: yes. Observed: 1 variant allele.
Comment: SCAF4: BP4, BP7